The following is an entry in ClinVar:

ClinVar aggregate classification (germline): Pathogenic (1 of 4 stars; one submission).

Conditions:
Hereditary breast ovarian cancer syndrome. Also called: Hereditary breast and ovarian cancer syndrome; Hereditary breast and ovarian cancer syndrome (HBOC); Breast and ovarian cancer; BRCA1- and BRCA2-Associated Hereditary Breast and Ovarian Cancer; Hereditary breast and/or ovarian cancer syndrome; Hereditary breast and ovarian cancer. Identifiers: Orphanet 145, MedGen C0677776, MeSH D061325, MONDO:0003582. Disease mechanism: loss of function.

Submission:

Labcorp Genetics (formerly Invitae), Labcorp
Classification: Pathogenic for Hereditary breast ovarian cancer syndrome. Last evaluated: 2025-06-18. Review status: criteria provided, single submitter. Criteria: Invitae Variant Classification Sherloc (09022015). Collection method: clinical testing. Allele origin: germline.
Comment: This sequence change creates a premature translational stop signal (p.Ser1650Lysfs*16) in the BRCA2 gene. It is expected to result in an absent or disrupted protein product. Loss-of-function variants in BRCA2 are known to be pathogenic (PMID: 20104584). This variant is not present in population databases (gnomAD no frequency). This variant has not been reported in the literature in individuals affected with BRCA2-related conditions. For these reasons, this variant has been classified as Pathogenic.

Literature cited by the submitters: PubMed 20104584.

NM_000059.4(BRCA2):c.4948dup (p.Ser1650fs)

Gene: BRCA2 (BRCA2 DNA repair associated; plus strand). Cytogenetic location: 13q13.1.
Variant type: Duplication.
Coding change: c.4948dup on transcript NM_000059.4 (MANE Select); coding-DNA position 4948, one base duplicated (A; older notation c.4948dupA).
Protein change: p.Ser1650fs; shifts the reading frame from serine 1650.
Molecular consequence: frameshift variant. On other transcripts: non-coding transcript variant (1), intron variant (2).
Genome position (GRCh38, 1-based): chr13:32,339,303, A duplicated; the last of 5 consecutive A bases (chr13:32,339,299-32,339,303); duplicating any one gives the same sequence. VCF-style (leftmost placement, unchanged base first): chr13-32339298-C-CA. GRCh37 (hg19) VCF-style: chr13-32913435-C-CA.
Other names: c.4948dup, p.Ser1650fs (NM_001406719.1, NM_001406720.1, NM_001432077.1); c.1910-5255dup (NM_001406721.1); c.425-5255dup (NM_001406722.1); short protein forms S1650fs.
Identifiers: ClinVar variation 4721668 (VCV004721668.1).